The following is an entry in ClinVar:

NM_001382430.1(AKT1):c.325G>A (p.Gly109Ser)

Gene: AKT1 (AKT serine/threonine kinase 1; minus strand). Cytogenetic location: 14q32.33.
Variant type: single nucleotide variant.
Coding change: c.325G>A on transcript NM_001382430.1 (MANE Select); coding-DNA position 325, G replaced by A.
Protein change: p.Gly109Ser; replaces glycine 109 with serine.
Molecular consequence: missense variant.
Genome position (GRCh38, 1-based): chr14:104,775,762, C>T on the plus strand (G>A on the coding strand, the complement: AKT1 is on the minus strand). VCF-style: chr14-104775762-C-T. GRCh37 (hg19) VCF-style: chr14-105242099-C-T.
Other names: c.325G>A, p.Gly109Ser (NM_001014431.2, NM_001014432.2, NM_001382431.1 and 3 more transcripts); short protein forms G109S.
Identifiers: ClinVar variation 957444 (VCV000957444.8), dbSNP rs768800433, ClinGen allele CA7374812.

ClinVar aggregate classification (germline): Uncertain significance. Review status: criteria provided, multiple submitters, no conflicts (2 of 4 stars). 2 submissions from 2 submitters: Uncertain significance (2). Last evaluated 2023-09-01.

Conditions:
Cowden syndrome 6 (CWS6). Identifiers: Orphanet 201, MedGen C3554519, MONDO:0014048, OMIM 615109.
Inborn genetic diseases. Identifiers: MedGen C0950123, MeSH D030342.

Allele frequency attached by ClinVar (database versions not stated): TOPMed below 0.00001; gnomAD 0.00001; ExAC 0.00002.

Submissions (2):

Ambry Genetics
Classification: Uncertain significance for Inborn genetic diseases. Last evaluated: 2023-09-01. Review status: criteria provided, single submitter. Criteria: Ambry Variant Classification Scheme 2023. Collection method: clinical testing. Allele origin: germline.
Comment: The p.G109S variant (also known as c.325G>A), located in coding exon 4 of the AKT1 gene, results from a G to A substitution at nucleotide position 325. The glycine at codon 109 is replaced by serine, an amino acid with similar properties. This amino acid position is conserved. In addition, this alteration is predicted to be tolerated by in silico analysis. Since supporting evidence is limited at this time, the clinical significance of this alteration remains unclear.

Labcorp Genetics (formerly Invitae), Labcorp
Classification: Uncertain significance for Cowden syndrome 6. Last evaluated: 2021-08-30. Review status: criteria provided, single submitter. Criteria: Invitae Variant Classification Sherloc (09022015). Collection method: clinical testing. Allele origin: germline.